The following is an entry in ClinVar:

NM_015202.5(KATNIP):c.1509G>C (p.Leu503Phe)

Genes: KATNIP (katanin interacting protein; plus strand), LOC100128079 (uncharacterized LOC100128079; minus strand). Cytogenetic location: 16p12.1.
Variant type: single nucleotide variant.
Coding change: c.1509G>C on transcript NM_015202.5 (MANE Select); coding-DNA position 1509, G replaced by C.
Protein change: p.Leu503Phe; replaces leucine 503 with phenylalanine.
Molecular consequence: missense variant. On other transcripts: non-coding transcript variant (1).
Genome position (GRCh38, 1-based): chr16:27,708,824, G>C. VCF-style: chr16-27708824-G-C. GRCh37 (hg19) VCF-style: chr16-27720145-G-C.
Other names: short protein forms L503F.
Identifiers: ClinVar variation 1958918 (VCV001958918.6), dbSNP rs1383722692, ClinGen allele CA395314388.

ClinVar aggregate classification (germline): Uncertain significance. Review status: criteria provided, multiple submitters, no conflicts (2 of 4 stars). 2 submissions from 2 submitters: Uncertain significance (2). Last evaluated 2023-08-04.

Allele frequency attached by ClinVar (database versions not stated): gnomAD 0.00001; gnomAD exomes 0.00001; TOPMed 0.00001.
gnomAD v4.1: 17 of 1,613,970 alleles (0.0011%); highest among the groups gnomAD compares: South Asian, 0.0099%; no homozygotes.

Submissions (2):

Labcorp Genetics (formerly Invitae), Labcorp
Classification: Uncertain significance. Last evaluated: 2023-08-04. Review status: criteria provided, single submitter. Criteria: Invitae Variant Classification Sherloc (09022015). Collection method: clinical testing. Allele origin: germline.
Comment: This sequence change replaces leucine, which is neutral and non-polar, with phenylalanine, which is neutral and non-polar, at codon 503 of the KIAA0556 protein (p.Leu503Phe). This variant is present in population databases (no rsID available, gnomAD 0.006%). This variant has not been reported in the literature in individuals affected with KIAA0556-related conditions. ClinVar contains an entry for this variant (Variation ID: 1958918). An algorithm developed to predict the effect of missense changes on protein structure and function (PolyPhen-2) suggests that this variant is likely to be tolerated. In summary, the available evidence is currently insufficient to determine the role of this variant in disease. Therefore, it has been classified as a Variant of Uncertain Significance.

Blueprint Genetics
Classification: Uncertain significance. Last evaluated: 2018-08-12. Review status: criteria provided, single submitter. Criteria: ACMG Guidelines, 2015. Collection method: clinical testing. Allele origin: germline.